The following is an entry in ClinVar:

ClinVar aggregate classification (germline): Benign/Likely benign. Review status: criteria provided, multiple submitters, no conflicts (2 of 4 stars). 3 submissions from 3 submitters: Benign (1); Likely benign (1). 1 of the submissions does not count toward it. Last evaluated 2026-02-02.

Conditions:
MAP3K8-related disorder. Also called: MAP3K8-related condition.

Allele frequency attached by ClinVar (database versions not stated): gnomAD exomes 0.00028 and 0.00047; ExAC 0.00059; gnomAD 0.00147 and 0.00157; TOPMed 0.00164; ESP Exome Variant Server 0.00169; 1000 Genomes Project 0.00200; 1000 Genomes Project 30x 0.00234.
gnomAD v4.1: 640 of 1,614,180 alleles (0.04%); highest among the groups gnomAD compares: African/African-American, 0.41%; 1 homozygote.

Submissions (3):

Labcorp Genetics (formerly Invitae), Labcorp
Classification: Benign. Last evaluated: 2026-02-02. Review status: criteria provided, single submitter. Criteria: Invitae Variant Classification Sherloc (09022015). Collection method: clinical testing. Allele origin: germline.

Blueprint Genetics
Classification: Likely benign. Last evaluated: 2024-09-09. Review status: criteria provided, single submitter. Criteria: ACMG Guidelines, 2015. Collection method: clinical testing. Allele origin: germline.

PreventionGenetics, part of Exact Sciences
Classification: Likely benign for MAP3K8-related condition. Last evaluated: 2024-04-18. Review status: no assertion criteria provided. Collection method: clinical testing. Allele origin: germline. Not counted in ClinVar's aggregate classification.
Comment: This variant is classified as likely benign based on ACMG/AMP sequence variant interpretation guidelines (Richards et al. 2015 PMID: 25741868, with internal and published modifications).

NM_005204.4(MAP3K8):c.1056C>T (p.Asp352=)

Gene: MAP3K8 (mitogen-activated protein kinase kinase kinase 8; plus strand). Cytogenetic location: 10p11.23.
Variant type: single nucleotide variant.
Coding change: c.1056C>T on transcript NM_005204.4 (MANE Select); coding-DNA position 1056, C replaced by T.
Protein change: p.Asp352=; no amino-acid change (aspartic acid 352 retained).
Molecular consequence: synonymous variant.
Genome position (GRCh38, 1-based): chr10:30,459,284, C>T. VCF-style: chr10-30459284-C-T. GRCh37 (hg19) VCF-style: chr10-30748213-C-T.
Other names: c.1056C>T, p.Asp352= (NM_001244134.1, NM_001320961.2); c.1056C>T (NM_005204.3).
Identifiers: ClinVar variation 1531612 (VCV001531612.10), dbSNP rs137991584, ClinGen allele CA5459852.